The following is an entry in ClinVar:

NM_003865.3(HESX1):c.200G>A (p.Ser67Asn)

Gene: HESX1 (HESX homeobox 1; minus strand). Cytogenetic location: 3p14.3.
Variant type: single nucleotide variant.
Coding change: c.200G>A on transcript NM_003865.3 (MANE Select); coding-DNA position 200, G replaced by A.
Protein change: p.Ser67Asn; replaces serine 67 with asparagine.
Molecular consequence: missense variant.
Genome position (GRCh38, 1-based): chr3:57,198,910, C>T on the plus strand (G>A on the coding strand, the complement: HESX1 is on the minus strand). VCF-style: chr3-57198910-C-T. GRCh37 (hg19) VCF-style: chr3-57232938-C-T.
Other names: short protein forms S67N.
Identifiers: ClinVar variation 492847 (VCV000492847.5), dbSNP rs141863326, ClinGen allele CA2463302.

ClinVar aggregate classification (germline): Uncertain significance. Review status: criteria provided, multiple submitters, no conflicts (2 of 4 stars). 4 submissions from 3 submitters: Uncertain significance (2). 2 of the submissions do not count toward it. Last evaluated 2025-10-09.

Conditions:
Septo-optic dysplasia sequence (SOD). Also called: Septo-optic dysplasia; DE MORSIER SYNDROME. Identifiers: Orphanet 3157, MedGen C0338503, MONDO:0008428, OMIM 182230, HP:0100842.
GROWTH HORMONE DEFICIENCY WITH PITUITARY ANOMALIES. Identifiers: MedGen C2750027, OMIM 182230.
Pituitary hormone deficiency, combined, 1 (CPHD1). Also called: Pituitary hormone deficiency, combined or isolated, 1. Identifiers: MedGen C2751608, MONDO:0024464, OMIM 613038.

Allele frequency attached by ClinVar (database versions not stated): TOPMed 0.00004.
gnomAD v4.1: 28 of 1,614,006 alleles (0.0017%); highest among the groups gnomAD compares: Admixed American, 0.042%; no homozygotes.

Submissions (4):

Labcorp Genetics (formerly Invitae), Labcorp
Classification: Uncertain significance for GROWTH HORMONE DEFICIENCY WITH PITUITARY ANOMALIES; Septo-optic dysplasia sequence. Last evaluated: 2025-10-09. Review status: criteria provided, single submitter. Criteria: Invitae Variant Classification Sherloc (09022015). Collection method: clinical testing. Allele origin: germline.
Comment: This sequence change replaces serine, which is neutral and polar, with asparagine, which is neutral and polar, at codon 67 of the HESX1 protein (p.Ser67Asn). This variant is present in population databases (rs141863326, gnomAD 0.06%). This variant has not been reported in the literature in individuals affected with HESX1-related conditions. ClinVar contains an entry for this variant (Variation ID: 492847). An algorithm developed to predict the effect of missense changes on protein structure and function outputs the following: PolyPhen-2: "Benign". The asparagine amino acid residue is found in multiple mammalian species, which suggests that this missense change does not adversely affect protein function. In summary, the available evidence is currently insufficient to determine the role of this variant in disease. Therefore, it has been classified as a Variant of Uncertain Significance.

GeneDx
Classification: Uncertain significance. Last evaluated: 2024-03-04. Review status: criteria provided, single submitter. Criteria: GeneDx Variant Classification Process June 2021. Collection method: clinical testing. Allele origin: germline. Affected: yes.
Comment: In silico analysis supports that this missense variant does not alter protein structure/function; In silico analysis suggests this variant may impact gene splicing. In the absence of RNA/functional studies, the actual effect of this sequence change is unknown.; Has not been previously published as pathogenic or benign to our knowledge

Clinical Molecular Genetics Laboratory, Johns Hopkins All Children's Hospital
Classification: Uncertain significance for Septo-optic dysplasia sequence. Last evaluated: 2011-09-15. Review status: no assertion criteria provided. Collection method: clinical testing. Allele origin: germline. Affected: yes. Not counted in ClinVar's aggregate classification.

Clinical Molecular Genetics Laboratory, Johns Hopkins All Children's Hospital
Classification: Uncertain significance for Pituitary hormone deficiency, combined, 1. Last evaluated: 2011-09-15. Review status: no assertion criteria provided. Collection method: clinical testing. Allele origin: germline. Affected: yes. Not counted in ClinVar's aggregate classification.